The following is an entry in ClinVar:

NM_001267550.2(TTN):c.54812-13C>T

Genes: TTN (titin; minus strand), TTN-AS1 (TTN antisense RNA 1; plus strand). Cytogenetic location: 2q31.2.
Variant type: single nucleotide variant.
Coding change: c.54812-13C>T on transcript NM_001267550.2 (MANE Select); 13 bases into the intron before coding-DNA position 54812, C replaced by T.
Molecular consequence: intron variant.
Genome position (GRCh38, 1-based): chr2:178,602,603, G>A on the plus strand (C>T on the coding strand, the complement: TTN is on the minus strand). VCF-style: chr2-178602603-G-A. GRCh37 (hg19) VCF-style: chr2-179467330-G-A.
Other names: c.27617-13C>T (NM_003319.4); c.28193-13C>T (NM_133437.4); c.27992-13C>T (NM_133432.3); c.47108-13C>T (NM_133378.4); c.49889-13C>T (NM_001256850.1).
Identifiers: ClinVar variation 378888 (VCV000378888.1), dbSNP rs754778370, ClinGen allele CA1993567.

ClinVar aggregate classification (germline): Likely benign (1 of 4 stars; one submission).

Allele frequency attached by ClinVar (database versions not stated): gnomAD exomes 0.00009 and 0.00211; ExAC 0.00049.

Submission:

GeneDx
Classification: Likely benign. Last evaluated: 2016-10-03. Review status: criteria provided, single submitter. Criteria: GeneDx Variant Classification (06012015). Collection method: clinical testing. Allele origin: germline. Affected: yes.
Comment: This variant is considered likely benign or benign based on one or more of the following criteria: it is a conservative change, it occurs at a poorly conserved position in the protein, it is predicted to be benign by multiple in silico algorithms, and/or has population frequency not consistent with disease.